The following is an entry in ClinVar:

NM_001332.4(CTNND2):c.2492G>C (p.Cys831Ser)

Gene: CTNND2 (catenin delta 2; minus strand). Cytogenetic location: 5p15.2.
Variant type: single nucleotide variant.
Coding change: c.2492G>C on transcript NM_001332.4 (MANE Select); coding-DNA position 2492, G replaced by C.
Protein change: p.Cys831Ser; replaces cysteine 831 with serine.
Molecular consequence: missense variant. On other transcripts: non-coding transcript variant (1).
Genome position (GRCh38, 1-based): chr5:11,098,720, C>G on the plus strand (G>C on the coding strand, the complement: CTNND2 is on the minus strand). VCF-style: chr5-11098720-C-G. GRCh37 (hg19) VCF-style: chr5-11098832-C-G.
Other names: c.2219G>C, p.Cys740Ser (NM_001288715.1); c.1481G>C, p.Cys494Ser (NM_001288716.1, NM_001364128.2); c.1193G>C, p.Cys398Ser (NM_001288717.2); short protein forms C398S, C494S, C740S, C831S.
Identifiers: ClinVar variation 3905441 (VCV003905441.10).
Genomic context (GRCh38, chr5:11,098,720, plus strand): 5'-AGGTAGGGTTTGACTATTGATGGGTGCCACAGCATCTGGATCCCTTTTGGTGGTTCAGCA[C>G]AGTCTGGAAGAGGTCCTACTCCATCCCACTGGCGGAAGAAAAACAAGAGAGCAAACATCT-3'
Protein context (NP_001323.1, residues 821-841): QWDGVGPLPD[Cys831Ser]AEPPKGIQML

ClinVar aggregate classification (germline): Uncertain significance (1 of 4 stars; one submission).

Submission:

CeGaT Center for Human Genetics Tuebingen
Classification: Uncertain significance. Last evaluated: 2025-05-01. Review status: criteria provided, single submitter. Criteria: CeGaT Center For Human Genetics Tuebingen Variant Classification Criteria Version 2. Collection method: clinical testing. Allele origin: germline. Affected: yes. Observed: 1 variant allele.
Comment: CTNND2: PM2